The following is an entry in ClinVar:

NM_001164508.2(NEB):c.6732T>G (p.Asp2244Glu)

Gene: NEB (nebulin; minus strand). Cytogenetic location: 2q23.3.
Variant type: single nucleotide variant.
Coding change: c.6732T>G on transcript NM_001164508.2 (MANE Select); coding-DNA position 6732, T replaced by G.
Protein change: p.Asp2244Glu; replaces aspartic acid 2244 with glutamic acid.
Molecular consequence: missense variant.
Genome position (GRCh38, 1-based): chr2:151,655,345, A>C on the plus strand (T>G on the coding strand, the complement: NEB is on the minus strand). VCF-style: chr2-151655345-A-C. GRCh37 (hg19) VCF-style: chr2-152511859-A-C.
Other names: c.6732T>G, p.Asp2244Glu (NM_001164507.2, NM_001271208.2, NM_004543.5); short protein forms D2244E.
Identifiers: ClinVar variation 834754 (VCV000834754.9), dbSNP rs765096308, ClinGen allele CA1910017.

ClinVar aggregate classification (germline): Uncertain significance. Review status: criteria provided, single submitter (1 of 4 stars). 3 submissions from 3 submitters: Uncertain significance (1). 2 of the submissions do not count toward it. Last evaluated 2022-08-16.

Conditions:
Nemaline myopathy 2 (NEM2). Also called: Nemaline myopathy 2, autosomal recessive. Identifiers: MedGen C1850569, MONDO:0009725, OMIM 256030.
NEB-related disorder. Also called: NEB-Related Disorders; NEB-related condition.

Allele frequency attached by ClinVar (database versions not stated): gnomAD exomes below 0.00001 and 0.00001; ExAC 0.00001; TOPMed 0.00001.
gnomAD v4.1: 7 of 1,598,518 alleles (0.00044%); highest among the groups gnomAD compares: East Asian, 0.0067%; no homozygotes.

Submissions (3):

Labcorp Genetics (formerly Invitae), Labcorp
Classification: Uncertain significance for Nemaline myopathy 2. Last evaluated: 2022-08-16. Review status: criteria provided, single submitter. Criteria: Invitae Variant Classification Sherloc (09022015). Collection method: clinical testing. Allele origin: germline.
Comment: This sequence change replaces aspartic acid, which is acidic and polar, with glutamic acid, which is acidic and polar, at codon 2244 of the NEB protein (p.Asp2244Glu). This variant is present in population databases (rs765096308, gnomAD 0.006%). This variant has not been reported in the literature in individuals affected with NEB-related conditions. ClinVar contains an entry for this variant (Variation ID: 834754). Algorithms developed to predict the effect of missense changes on protein structure and function are either unavailable or do not agree on the potential impact of this missense change (SIFT: "Deleterious"; PolyPhen-2: "Not Available"; Align-GVGD: "Class C0"). In summary, the available evidence is currently insufficient to determine the role of this variant in disease. Therefore, it has been classified as a Variant of Uncertain Significance.

PreventionGenetics, part of Exact Sciences
Classification: Uncertain significance for NEB-related condition. Last evaluated: 2023-12-14. Review status: no assertion criteria provided. Collection method: clinical testing. Allele origin: germline. Not counted in ClinVar's aggregate classification.
Comment: The NEB c.6732T>G variant is predicted to result in the amino acid substitution p.Asp2244Glu. To our knowledge, this variant has not been reported in the literature. This variant is reported in 0.0056% of alleles in individuals of East Asian descent in gnomAD. At this time, the clinical significance of this variant is uncertain due to the absence of conclusive functional and genetic evidence.

Natera, Inc.
Classification: Uncertain significance for Nemaline myopathy type 2. Last evaluated: 2020-08-22. Review status: no assertion criteria provided. Collection method: clinical testing. Allele origin: germline. Not counted in ClinVar's aggregate classification.